The following is an entry in ClinVar:

ClinVar aggregate classification (germline): Uncertain significance. Review status: criteria provided, multiple submitters, no conflicts (2 of 4 stars). 3 submissions from 3 submitters: Uncertain significance (3). Last evaluated 2025-04-24.

Conditions:
Inborn genetic diseases. Identifiers: MedGen C0950123, MeSH D030342.

Allele frequency attached by ClinVar (database versions not stated): gnomAD 0.00001; ExAC 0.00002; TOPMed 0.00003.
gnomAD v4.1: 34 of 1,613,878 alleles (0.0021%); highest among the groups gnomAD compares: Admixed American, 0.015%; no homozygotes.

Submissions (3):

Labcorp Genetics (formerly Invitae), Labcorp
Classification: Uncertain significance. Last evaluated: 2025-04-24. Review status: criteria provided, single submitter. Criteria: Invitae Variant Classification Sherloc (09022015). Collection method: clinical testing. Allele origin: germline.
Comment: This sequence change replaces arginine, which is basic and polar, with histidine, which is basic and polar, at codon 250 of the PMPCA protein (p.Arg250His). This variant is present in population databases (rs754860344, gnomAD 0.03%). This variant has not been reported in the literature in individuals affected with PMPCA-related conditions. ClinVar contains an entry for this variant (Variation ID: 2550687). Invitae Evidence Modeling of protein sequence and biophysical properties (such as structural, functional, and spatial information, amino acid conservation, physicochemical variation, residue mobility, and thermodynamic stability) indicates that this missense variant is expected to disrupt PMPCA protein function with a positive predictive value of 80%. In summary, the available evidence is currently insufficient to determine the role of this variant in disease. Therefore, it has been classified as a Variant of Uncertain Significance.

Women's Health and Genetics/Laboratory Corporation of America, LabCorp
Classification: Uncertain significance. Last evaluated: 2024-04-04. Review status: criteria provided, single submitter. Criteria: LabCorp Variant Classification Summary - May 2015. Collection method: clinical testing. Allele origin: germline.
Comment: Variant summary: PMPCA c.749G>A (p.Arg250His) results in a non-conservative amino acid change located in the Peptidase M16, C-terminal domain (IPR007863) of the encoded protein sequence. Four of five in-silico tools predict a damaging effect of the variant on protein function. The variant allele was found at a frequency of 4.4e-05 in 251076 control chromosomes (gnomAD). The available data on variant occurrences in the general population are insufficient to allow any conclusion about variant significance. To our knowledge, no occurrence of c.749G>A in individuals affected with Autosomal Recessive Spinocerebellar Ataxia 2 and no experimental evidence demonstrating its impact on protein function have been reported. ClinVar contains an entry for this variant (Variation ID: 2550687). Based on the evidence outlined above, the variant was classified as uncertain significance.

Ambry Genetics
Classification: Uncertain significance for Inborn genetic diseases. Last evaluated: 2023-05-23. Review status: criteria provided, single submitter. Criteria: Ambry Variant Classification Scheme 2023. Collection method: clinical testing. Allele origin: germline.

NM_015160.3(PMPCA):c.749G>A (p.Arg250His)

Genes: PMPCA (peptidase, mitochondrial processing subunit alpha; plus strand), LOC126860792 (CDK7 strongly-dependent group 2 enhancer GRCh37_chr9:139310410-139311609; plus strand). Cytogenetic location: 9q34.3.
Variant type: single nucleotide variant.
Coding change: c.749G>A on transcript NM_015160.3 (MANE Select); coding-DNA position 749, G replaced by A.
Protein change: p.Arg250His; replaces arginine 250 with histidine.
Molecular consequence: missense variant.
Genome position (GRCh38, 1-based): chr9:136,417,066, G>A. VCF-style: chr9-136417066-G-A. GRCh37 (hg19) VCF-style: chr9-139311518-G-A.
Other names: c.356G>A, p.Arg119His (NM_001282944.2); c.449G>A, p.Arg150His (NM_001282946.2); short protein forms R250H, R119H, R150H.
Identifiers: ClinVar variation 2550687 (VCV002550687.4), dbSNP rs754860344, ClinGen allele CA5336147.
Genomic context (GRCh38, chr9:136,417,066, plus strand): 5'-TAGCAAAGATCAACCGAGAGGTGCTGCATTCCTACCTGAGGAACTACTACACTCCCGACC[G>A]CATGGTGCTGGCCGGCGTGGGCGTGGAGCACGAGCATCTGGTGGACTGTGCCCGGAAGTA-3'
Protein context (NP_055975.1, residues 240-260): SYLRNYYTPD[Arg250His]MVLAGVGVEH